The following is an entry in ClinVar:

ClinVar aggregate classification (germline): Uncertain significance (1 of 4 stars; one submission).

Conditions:
Hereditary cancer-predisposing syndrome. Also called: Hereditary neoplastic syndrome; Neoplastic Syndromes, Hereditary; Tumor predisposition; Hereditary Cancer Syndrome. Identifiers: Orphanet 140162, MedGen C0027672, MeSH D009386, MONDO:0015356.

Submission:

Ambry Genetics
Classification: Uncertain significance for Hereditary cancer-predisposing syndrome. Last evaluated: 2025-08-27. Review status: criteria provided, single submitter. Criteria: Ambry Variant Classification Scheme 2023. Collection method: clinical testing. Allele origin: germline.
Comment: The p.E120D variant (also known as c.360G>C), located in coding exon 4 of the MUTYH gene, results from a G to C substitution at nucleotide position 360. The glutamic acid at codon 120 is replaced by aspartic acid, an amino acid with highly similar properties. This amino acid position is conserved. In addition, this alteration is predicted to be tolerated by in silico analysis. Based on the available evidence, the clinical significance of this variant remains unclear.

NM_001048174.2(MUTYH):c.276G>C (p.Glu92Asp)

Gene: MUTYH (mutY DNA glycosylase; minus strand). Cytogenetic location: 1p34.1.
Variant type: single nucleotide variant.
Coding change: c.276G>C on transcript NM_001048174.2 (MANE Select); coding-DNA position 276, G replaced by C.
Protein change: p.Glu92Asp; replaces glutamic acid 92 with aspartic acid.
Molecular consequence: missense variant. On other transcripts: 5 prime UTR variant (3), non-coding transcript variant (7).
Genome position (GRCh38, 1-based): chr1:45,333,313, C>G on the plus strand (G>C on the coding strand, the complement: MUTYH is on the minus strand). VCF-style: chr1-45333313-C-G. GRCh37 (hg19) VCF-style: chr1-45798985-C-G.
Other names: c.276G>C, p.Glu92Asp (NM_001048171.2, NM_001048173.2, NM_001293195.2 and 6 more transcripts); c.279G>C, p.Glu93Asp (NM_001048172.2, NM_001407071.1, NM_001407078.1 and 2 more transcripts); c.360G>C, p.Glu120Asp (NM_001128425.2); c.321G>C, p.Glu107Asp (NM_001293190.2); c.309G>C, p.Glu103Asp (NM_001293191.2, NM_001407077.1); c.-1G>C (NM_001293192.2, NM_001293196.2, NM_001407091.1); c.5G>C, p.Arg2Thr (NM_001350650.2, NM_001350651.2, NM_001407082.1); c.351G>C, p.Glu117Asp (NM_001407069.1, NM_012222.3); and 3 more; short protein forms E107D, E120D, E93D, E103D, E106D, E92D, E64D, E117D.
Identifiers: ClinVar variation 4113625 (VCV004113625.1).
Genomic context (GRCh38, chr1:45,333,313, plus strand): 5'-AAAGTGGCCCTGCTCTCAGGAGATGTACTGACCAGCATATGCCCGCCTGTCCAGGTCCAT[C>G]TCATCTTCTGCCTGTCAATGCAACCCCAGATGAGGAGTTAGGGTGGAGGGGGCTGGGTGC-3'
Protein context (NP_001041639.1, residues 82-102): DLPWRRRAED[Glu92Asp]MDLDRRAYAV